The following is an entry in ClinVar:

ClinVar aggregate classification (germline): Uncertain significance (1 of 4 stars; one submission).

gnomAD v4.1: 2 of 1,614,010 alleles (0.00012%); highest among the groups gnomAD compares: Admixed American, 0.0017%; no homozygotes.

Submission:

Labcorp Genetics (formerly Invitae), Labcorp
Classification: Uncertain significance. Last evaluated: 2022-10-04. Review status: criteria provided, single submitter. Criteria: Invitae Variant Classification Sherloc (09022015). Collection method: clinical testing. Allele origin: germline.
Comment: In summary, the available evidence is currently insufficient to determine the role of this variant in disease. Therefore, it has been classified as a Variant of Uncertain Significance. Advanced modeling of protein sequence and biophysical properties (such as structural, functional, and spatial information, amino acid conservation, physicochemical variation, residue mobility, and thermodynamic stability) performed at Invitae indicates that this missense variant is not expected to disrupt CSF1R protein function. This variant has not been reported in the literature in individuals affected with CSF1R-related conditions. This variant is not present in population databases (gnomAD no frequency). This sequence change replaces histidine, which is basic and polar, with tyrosine, which is neutral and polar, at codon 345 of the CSF1R protein (p.His345Tyr).

NM_001288705.3(CSF1R):c.1033C>T (p.His345Tyr)

Gene: CSF1R (colony stimulating factor 1 receptor; minus strand). Cytogenetic location: 5q32.
Variant type: single nucleotide variant.
Coding change: c.1033C>T on transcript NM_001288705.3 (MANE Select); coding-DNA position 1033, C replaced by T.
Protein change: p.His345Tyr; replaces histidine 345 with tyrosine.
Molecular consequence: missense variant. On other transcripts: non-coding transcript variant (2).
Genome position (GRCh38, 1-based): chr5:150,073,350, G>A on the plus strand (C>T on the coding strand, the complement: CSF1R is on the minus strand). VCF-style: chr5-150073350-G-A. GRCh37 (hg19) VCF-style: chr5-149452913-G-A.
Other names: c.1033C>T, p.His345Tyr (NM_001349736.2, NM_001375320.1, NM_005211.4); c.589C>T, p.His197Tyr (NM_001375321.1); short protein forms H197Y, H345Y.
Identifiers: ClinVar variation 1716343 (VCV001716343.5), dbSNP rs138251519, ClinGen allele CA361724518.